The following is an entry in ClinVar:

NM_016222.4(DDX41):c.1063G>T (p.Glu355Ter)

Gene: DDX41 (DEAD-box helicase 41; minus strand). Cytogenetic location: 5q35.3.
Variant type: single nucleotide variant.
Coding change: c.1063G>T on transcript NM_016222.4 (MANE Select); coding-DNA position 1063, G replaced by T.
Protein change: p.Glu355Ter; replaces glutamic acid 355 with a stop codon.
Molecular consequence: nonsense.
Genome position (GRCh38, 1-based): chr5:177,513,720, C>A on the plus strand (G>T on the coding strand, the complement: DDX41 is on the minus strand). VCF-style: chr5-177513720-C-A. GRCh37 (hg19) VCF-style: chr5-176940721-C-A.
Other names: c.685G>T, p.Glu229Ter (NM_001321732.2, NM_001321830.2); short protein forms E355*, E229*.
Identifiers: ClinVar variation 4010384 (VCV004010384.1).
Genomic context (GRCh38, chr5:177,513,720, plus strand): 5'-TGCCCTGGCCGGGCGGGGGCGGCACCTTGAAGTAGGAGAAGATGGTACGGATGTCACCCT[C>A]GAAGCCCATGTCGATCATGCGGTCAGCCTCGTCCAGGGCCAGGTAGCGACAGATGTCTAG-3'

ClinVar aggregate classification (germline): Pathogenic (1 of 4 stars; one submission).

Conditions:
Inborn genetic diseases. Identifiers: MedGen C0950123, MeSH D030342.

Submission:

Ambry Genetics
Classification: Pathogenic for Inborn genetic diseases. Last evaluated: 2025-06-12. Review status: criteria provided, single submitter. Criteria: Ambry Variant Classification Scheme 2023. Collection method: clinical testing. Allele origin: germline.
Comment: The p.E355* pathogenic mutation (also known as c.1063G>T), located in coding exon 10 of the DDX41 gene, results from a G to T substitution at nucleotide position 1063. This changes the amino acid from a glutamic acid to a stop codon within coding exon 10. This variant is considered to be rare based on population cohorts in the Genome Aggregation Database (gnomAD). This alteration is expected to result in loss of function by premature protein truncation or nonsense-mediated mRNA decay. As such, this alteration is interpreted as a disease-causing mutation.